The following is an entry in ClinVar:

NM_020549.5(CHAT):c.452G>A (p.Arg151Gln)

Gene: CHAT (choline O-acetyltransferase; plus strand). Cytogenetic location: 10q11.23.
Variant type: single nucleotide variant.
Coding change: c.452G>A on transcript NM_020549.5 (MANE Select); coding-DNA position 452, G replaced by A.
Protein change: p.Arg151Gln; replaces arginine 151 with glutamine.
Molecular consequence: missense variant.
Genome position (GRCh38, 1-based): chr10:49,619,789, G>A. VCF-style: chr10-49619789-G-A. GRCh37 (hg19) VCF-style: chr10-50827835-G-A.
Other names: c.98G>A, p.Arg33Gln (NM_001142929.2, NM_001142934.2, NM_020984.4 and 2 more transcripts); c.206G>A, p.Arg69Gln (NM_001142933.2); short protein forms R151Q, R69Q, R33Q.
Identifiers: ClinVar variation 969440 (VCV000969440.9), dbSNP rs202059535, ClinGen allele CA5497150.

ClinVar aggregate classification (germline): Conflicting classifications of pathogenicity. Review status: criteria provided, conflicting classifications (1 of 4 stars). 2 submissions from 2 submitters: Uncertain significance (1); Likely benign (1). Last evaluated 2026-01-24.

Conditions:
Familial infantile myasthenia (CMS6). Also called: MYASTHENIC SYNDROME, CONGENITAL, 6, PRESYNAPTIC; MYASTHENIC SYNDROME, PRESYNAPTIC, CONGENITAL, ASSOCIATED WITH EPISODIC APNEA; Congenital myasthenic syndrome type 6. Identifiers: Orphanet 590, MedGen C0393929, MONDO:0009689, OMIM 254210.

Allele frequency attached by ClinVar (database versions not stated): gnomAD 0.00003; gnomAD exomes 0.00004 and 0.00008; ExAC 0.00005; TOPMed 0.00006; ESP Exome Variant Server 0.00008.
gnomAD v4.1: 67 of 1,613,988 alleles (0.0042%); highest among the groups gnomAD compares: East Asian, 0.031%; no homozygotes.

Submissions (2):

Labcorp Genetics (formerly Invitae), Labcorp
Classification: Likely benign for Familial infantile myasthenia. Last evaluated: 2026-01-24. Review status: criteria provided, single submitter. Criteria: Invitae Variant Classification Sherloc (09022015). Collection method: clinical testing. Allele origin: germline.

GeneDx
Classification: Uncertain significance. Last evaluated: 2021-06-23. Review status: criteria provided, single submitter. Criteria: GeneDx Variant Classification Process June 2021. Collection method: clinical testing. Allele origin: germline. Affected: yes.
Comment: In silico analysis supports that this missense variant does not alter protein structure/function; Has not been previously published as pathogenic or benign to our knowledge; This variant is associated with the following publications: (PMID: 27535533, 12548525, 21786365)